The following is an entry in ClinVar:

NM_001083116.3(PRF1):c.806A>C (p.His269Pro)

Gene: PRF1 (perforin 1; minus strand). Cytogenetic location: 10q22.1.
Variant type: single nucleotide variant.
Coding change: c.806A>C on transcript NM_001083116.3 (MANE Select); coding-DNA position 806, A replaced by C.
Protein change: p.His269Pro; replaces histidine 269 with proline.
Molecular consequence: missense variant.
Genome position (GRCh38, 1-based): chr10:70,598,915, T>G on the plus strand (A>C on the coding strand, the complement: PRF1 is on the minus strand). VCF-style: chr10-70598915-T-G. GRCh37 (hg19) VCF-style: chr10-72358671-T-G.
Other names: c.806A>C, p.His269Pro (NM_005041.6); short protein forms H269P.
Identifiers: ClinVar variation 1416852 (VCV001416852.7), dbSNP rs761293997, ClinGen allele CA16622053.

ClinVar aggregate classification (germline): Uncertain significance. Review status: criteria provided, multiple submitters, no conflicts (2 of 4 stars). 2 submissions from 2 submitters: Uncertain significance (2). Last evaluated 2025-11-23.

Conditions:
Familial hemophagocytic lymphohistiocytosis 2 (FHL2). Also called: PRF1-Related Familial Hemophagocytic Lymphohistiocytosis (PRF1-fHLH). Identifiers: Orphanet 540, MedGen C1863727, MONDO:0011337, OMIM 603553.

gnomAD v4.1: 3 of 1,614,244 alleles (0.00019%); highest among the groups gnomAD compares: Non-Finnish European, 0.00025%; no homozygotes.

Submissions (2):

Labcorp Genetics (formerly Invitae), Labcorp
Classification: Uncertain significance for Familial hemophagocytic lymphohistiocytosis 2. Last evaluated: 2025-11-23. Review status: criteria provided, single submitter. Criteria: Invitae Variant Classification Sherloc (09022015). Collection method: clinical testing. Allele origin: germline.
Comment: This sequence change replaces histidine, which is basic and polar, with proline, which is neutral and non-polar, at codon 269 of the PRF1 protein (p.His269Pro). This variant is not present in population databases (gnomAD no frequency). This variant has not been reported in the literature in individuals affected with PRF1-related conditions. ClinVar contains an entry for this variant (Variation ID: 1416852). Invitae Evidence Modeling of protein sequence and biophysical properties (such as structural, functional, and spatial information, amino acid conservation, physicochemical variation, residue mobility, and thermodynamic stability) has been performed for this missense variant. However, the output from this modeling did not meet the statistical confidence thresholds required to predict the impact of this variant on PRF1 protein function. In summary, the available evidence is currently insufficient to determine the role of this variant in disease. Therefore, it has been classified as a Variant of Uncertain Significance.

Women's Health and Genetics/Laboratory Corporation of America, LabCorp
Classification: Uncertain significance. Last evaluated: 2024-06-17. Review status: criteria provided, single submitter. Criteria: LabCorp Variant Classification Summary - May 2015. Collection method: clinical testing. Allele origin: germline.